The following is an entry in ClinVar:

NM_018055.5(NODAL):c.361A>T (p.Thr121Ser)

Gene: NODAL (nodal growth differentiation factor; minus strand). Cytogenetic location: 10q22.1.
Variant type: single nucleotide variant.
Coding change: c.361A>T on transcript NM_018055.5 (MANE Select); coding-DNA position 361, A replaced by T.
Protein change: p.Thr121Ser; replaces threonine 121 with serine.
Molecular consequence: missense variant. On other transcripts: 5 prime UTR variant (1).
Genome position (GRCh38, 1-based): chr10:70,435,816, T>A on the plus strand (A>T on the coding strand, the complement: NODAL is on the minus strand). VCF-style: chr10-70435816-T-A. GRCh37 (hg19) VCF-style: chr10-72195572-T-A.
Other names: c.-39A>T (NM_001329906.2); short protein forms T121S.
Identifiers: ClinVar variation 2737539 (VCV002737539.3), dbSNP rs1287933676, ClinGen allele CA376946481.

ClinVar aggregate classification (germline): Uncertain significance (1 of 4 stars; one submission).

Conditions:
Heterotaxy, visceral, 5, autosomal (HTX5). Also called: Heterotaxy, visceral, 5. Identifiers: Orphanet 450, MedGen C3495537, MONDO:0700112, OMIM 270100.

Allele frequency attached by ClinVar (database versions not stated): gnomAD exomes 0.00001; gnomAD 0.00001; TOPMed below 0.00001.
gnomAD v4.1: 4 of 1,614,000 alleles (0.00025%); highest among the groups gnomAD compares: Non-Finnish European, 0.00034%; no homozygotes.

Submission:

Labcorp Genetics (formerly Invitae), Labcorp
Classification: Uncertain significance for Heterotaxy, visceral, 5, autosomal. Last evaluated: 2025-03-31. Review status: criteria provided, single submitter. Criteria: Invitae Variant Classification Sherloc (09022015). Collection method: clinical testing. Allele origin: germline.
Comment: This sequence change replaces threonine, which is neutral and polar, with serine, which is neutral and polar, at codon 121 of the NODAL protein (p.Thr121Ser). This variant is present in population databases (no rsID available, gnomAD 0.0009%). This variant has not been reported in the literature in individuals affected with NODAL-related conditions. ClinVar contains an entry for this variant (Variation ID: 2737539). Invitae Evidence Modeling of protein sequence and biophysical properties (such as structural, functional, and spatial information, amino acid conservation, physicochemical variation, residue mobility, and thermodynamic stability) indicates that this missense variant is not expected to disrupt NODAL protein function with a negative predictive value of 80%. In summary, the available evidence is currently insufficient to determine the role of this variant in disease. Therefore, it has been classified as a Variant of Uncertain Significance.